The following is an entry in ClinVar:

NM_004006.3(DMD):c.10103A>G (p.Asp3368Gly)

Gene: DMD (dystrophin; minus strand). Cytogenetic location: Xp21.2.
Variant type: single nucleotide variant.
Coding change: c.10103A>G on transcript NM_004006.3 (MANE Select); coding-DNA position 10103, A replaced by G.
Protein change: p.Asp3368Gly; replaces aspartic acid 3368 with glycine.
Molecular consequence: missense variant.
Genome position (GRCh38, 1-based): chrX:31,178,789, T>C on the plus strand (A>G on the coding strand, the complement: DMD is on the minus strand). VCF-style: chrX-31178789-T-C. GRCh37 (hg19) VCF-style: chrX-31196906-T-C.
Other names: c.10079A>G, p.Asp3360Gly (NM_000109.4); c.10091A>G, p.Asp3364Gly (NM_004009.3); c.9734A>G, p.Asp3245Gly (NM_004010.3); c.6080A>G, p.Asp2027Gly (NM_004011.4); c.6071A>G, p.Asp2024Gly (NM_004012.4); c.2723A>G, p.Asp908Gly (NM_004013.3, NM_004020.4, NM_004021.3 and 2 more transcripts); c.1916A>G, p.Asp639Gly (NM_004014.3); c.899A>G, p.Asp300Gly (NM_004015.3, NM_004016.3, NM_004017.3 and 2 more transcripts); and 1 more; short protein forms D2027G, D3245G, D3364G, D639G, D3360G, D908G, D2024G, D300G.
Identifiers: ClinVar variation 1504148 (VCV001504148.11), dbSNP rs2148292190, ClinGen allele CA412652934.

ClinVar aggregate classification (germline): Conflicting classifications of pathogenicity. Review status: criteria provided, conflicting classifications (1 of 4 stars). 3 submissions from 3 submitters: Pathogenic (1); Likely pathogenic (1); Uncertain significance (1). Last evaluated 2025-09-02.

Conditions:
Duchenne muscular dystrophy (DMD). Also called: Duchenne Muscular Dystrophy (DMD); MUSCULAR DYSTROPHY, PSEUDOHYPERTROPHIC PROGRESSIVE, DUCHENNE TYPE. Identifiers: Orphanet 98896, MedGen C0013264, MONDO:0010679, OMIM 310200.

Submissions (3):

Labcorp Genetics (formerly Invitae), Labcorp
Classification: Pathogenic for Duchenne muscular dystrophy. Last evaluated: 2025-09-02. Review status: criteria provided, single submitter. Criteria: Invitae Variant Classification Sherloc (09022015). Collection method: clinical testing. Allele origin: germline.
Comment: This sequence change replaces aspartic acid, which is acidic and polar, with glycine, which is neutral and non-polar, at codon 3368 of the DMD protein (p.Asp3368Gly). This variant is not present in population databases (gnomAD no frequency). This missense change has been observed in individual(s) with DMD-related conditions and/or Duchenne or Becker muscular dystrophy (PMID: 19937601, 38474032). In at least one individual the variant was observed to be de novo. It has also been observed to segregate with disease in related individuals. ClinVar contains an entry for this variant (Variation ID: 1504148). Invitae Evidence Modeling of protein sequence and biophysical properties (such as structural, functional, and spatial information, amino acid conservation, physicochemical variation, residue mobility, and thermodynamic stability) has been performed for this missense variant. However, the output from this modeling did not meet the statistical confidence thresholds required to predict the impact of this variant on DMD protein function. This variant disrupts the p.Asp3368 amino acid residue in DMD. Other variant(s) that disrupt this residue have been observed in individuals with DMD-related conditions (PMID: 17041906, 23756440), which suggests that this may be a clinically significant amino acid residue. For these reasons, this variant has been classified as Pathogenic.

GeneDx
Classification: Likely pathogenic. Last evaluated: 2024-11-21. Review status: criteria provided, single submitter. Criteria: GeneDx Variant Classification Process June 2021. Collection method: clinical testing. Allele origin: germline. Affected: yes.
Comment: Not observed at significant frequency in large population cohorts (gnomAD); In silico analysis supports that this missense variant has a deleterious effect on protein structure/function; Missense variant in a gene in which most reported pathogenic variants are truncating/loss of function; This variant is associated with the following publications: (PMID: 38474032, 19937601)

Revvity Omics, Revvity
Classification: Uncertain significance. Last evaluated: 2021-09-15. Review status: criteria provided, single submitter. Criteria: ACMG Guidelines, 2015. Collection method: clinical testing. Allele origin: germline.

Literature cited by the submitters: PubMed 19937601 (cited by Labcorp Genetics (formerly Invitae), Labcorp); PubMed 38474032 (cited by Labcorp Genetics (formerly Invitae), Labcorp); PubMed 17041906 (cited by Labcorp Genetics (formerly Invitae), Labcorp); PubMed 23756440 (cited by Labcorp Genetics (formerly Invitae), Labcorp).